The following is an entry in ClinVar:

NM_001369369.1(FOXN1):c.1634T>C (p.Leu545Pro)

Gene: FOXN1 (forkhead box N1; plus strand). Cytogenetic location: 17q11.2.
Variant type: single nucleotide variant.
Coding change: c.1634T>C on transcript NM_001369369.1 (MANE Select); coding-DNA position 1634, T replaced by C.
Protein change: p.Leu545Pro; replaces leucine 545 with proline.
Molecular consequence: missense variant.
Genome position (GRCh38, 1-based): chr17:28,537,123, T>C. VCF-style: chr17-28537123-T-C. GRCh37 (hg19) VCF-style: chr17-26864141-T-C.
Other names: c.1634T>C, p.Leu545Pro (NM_003593.3); short protein forms L545P.
Identifiers: ClinVar variation 998878 (VCV000998878.5), dbSNP rs920787440, ClinGen allele CA289121318.
Genomic context (GRCh38, chr17:28,537,123, plus strand): 5'-ACAGGGCTCCTCCGGTGCCTCCCAGTGACACCTGTTCTCTCCTTCCCCATCTAGGAAACC[T>C]GTGGGAACAGTTGAAGGATGATAGCTTGGCCCTCGACCCCCTGGTACTGGTGACCTCATC-3'
Protein context (NP_001356298.1, residues 535-555): SLTDFDFQGN[Leu545Pro]WEQLKDDSLA

ClinVar aggregate classification (germline): Uncertain significance (1 of 4 stars; one submission).

Conditions:
T-cell immunodeficiency, congenital alopecia, and nail dystrophy. Also called: Congenital alopecia and nail dystrophy associated with severe functional T-cell immunodeficiency; Pignata Guarino syndrome. Identifiers: Orphanet 169095, MedGen C1866426, MONDO:0011132, OMIM 601705.

Allele frequency attached by ClinVar (database versions not stated): gnomAD exomes below 0.00001 and 0.00001; TOPMed below 0.00001; gnomAD 0.00001.
gnomAD v4.1: 12 of 1,613,726 alleles (0.00074%); highest among the groups gnomAD compares: Non-Finnish European, 0.001%; no homozygotes.

Submission:

Labcorp Genetics (formerly Invitae), Labcorp
Classification: Uncertain significance for T-cell immunodeficiency, congenital alopecia, and nail dystrophy. Last evaluated: 2023-07-07. Review status: criteria provided, single submitter. Criteria: Invitae Variant Classification Sherloc (09022015). Collection method: clinical testing. Allele origin: germline.
Comment: This variant has not been reported in the literature in individuals affected with FOXN1-related conditions. This sequence change replaces leucine, which is neutral and non-polar, with proline, which is neutral and non-polar, at codon 545 of the FOXN1 protein (p.Leu545Pro). This variant is present in population databases (no rsID available, gnomAD 0.0009%). ClinVar contains an entry for this variant (Variation ID: 998878). Advanced modeling of protein sequence and biophysical properties (such as structural, functional, and spatial information, amino acid conservation, physicochemical variation, residue mobility, and thermodynamic stability) performed at Invitae indicates that this missense variant is not expected to disrupt FOXN1 protein function. In summary, the available evidence is currently insufficient to determine the role of this variant in disease. Therefore, it has been classified as a Variant of Uncertain Significance.